The following is an entry in ClinVar:

ClinVar aggregate classification (germline): Likely pathogenic (1 of 4 stars; one submission).

Conditions:
Familial thoracic aortic aneurysm and aortic dissection (TAAD). Also called: Thoracic aortic aneurysms and dissections. Identifiers: Orphanet 91387, MedGen C4707243, MONDO:0019625.

Submission:

Labcorp Genetics (formerly Invitae), Labcorp
Classification: Likely pathogenic for Familial thoracic aortic aneurysm and aortic dissection. Last evaluated: 2020-02-17. Review status: criteria provided, single submitter. Criteria: Invitae Variant Classification Sherloc (09022015). Collection method: clinical testing. Allele origin: germline.
Comment: This sequence change results in a premature translational stop signal in the TGFBR2 gene (p.Ala535Glnfs*29). While this is not anticipated to result in nonsense mediated decay, it is expected to disrupt the last 33 amino acids of the TGFBR2 protein. This variant is not present in population databases (ExAC no frequency). In summary, the currently available evidence indicates that the variant is pathogenic, but additional data are needed to prove that conclusively. Therefore, this variant has been classified as Likely Pathogenic. Experimental studies and prediction algorithms are not available or were not evaluated, and the functional significance of this variant is currently unknown.

NM_003242.6(TGFBR2):c.1603del (p.Ala535fs)

Gene: TGFBR2 (transforming growth factor beta receptor 2; plus strand). Cytogenetic location: 3p24.1.
Variant type: Deletion.
Coding change: c.1603del on transcript NM_003242.6 (MANE Select); coding-DNA position 1603, one base deleted (G; older notation c.1603delG).
Protein change: p.Ala535fs; shifts the reading frame from alanine 535.
Molecular consequence: frameshift variant.
Genome position (GRCh38, 1-based): chr3:30,691,498, G deleted; the last of 2 consecutive G bases (chr3:30,691,497-30,691,498); deleting either gives the same sequence. VCF-style (leftmost placement, unchanged base first): chr3-30691496-TG-T. GRCh37 (hg19) VCF-style: chr3-30732988-TG-T.
Other names: c.1678delG, p.Ala560Glnfs (NM_001024847.3); c.1786delG, p.Ala596Glnfs (NM_001407126.1); c.1711delG, p.Ala571Glnfs (NM_001407127.1); c.1630delG, p.Ala544Glnfs (NM_001407128.1); c.1606delG, p.Ala536Glnfs (NM_001407129.1); c.1600delG, p.Ala534Glnfs (NM_001407130.1); c.1498delG, p.Ala500Glnfs (NM_001407132.1, NM_001407133.1, NM_001407134.1 and 2 more transcripts); c.1318delG, p.Ala440Glnfs (NM_001407137.1); and 2 more; short protein forms A560fs, A535fs.
Identifiers: ClinVar variation 846974 (VCV000846974.7), dbSNP rs1699709401, ClinGen allele CA916082293.